The following is an entry in ClinVar:

ClinVar aggregate classification (germline): Pathogenic. Review status: criteria provided, multiple submitters, no conflicts (2 of 4 stars). 4 submissions from 4 submitters: Pathogenic (4). Last evaluated 2025-04-07.

Conditions:
Familial cancer of breast. Also called: BREAST CANCER, FAMILIAL; Hereditary breast cancer; hereditary breast carcinoma. Identifiers: Orphanet 227535, MedGen C0346153, MONDO:0016419, OMIM 114480. Disease mechanism: loss of function.
Hereditary cancer-predisposing syndrome. Also called: Hereditary neoplastic syndrome; Neoplastic Syndromes, Hereditary; Tumor predisposition; Hereditary Cancer Syndrome. Identifiers: Orphanet 140162, MedGen C0027672, MeSH D009386, MONDO:0015356.
Ataxia-telangiectasia syndrome (AT). Also called: LOUIS-BAR SYNDROME; Cerebello-oculocutaneous telangiectasia; Immunodeficiency with ataxia telangiectasia; AT, COMPLEMENTATION GROUP C; Ataxia-telangiectasia, complementation group D; ATAXIA-TELANGIECTASIA, COMPLEMENTATION GROUP A. Identifiers: Orphanet 100, MedGen C0004135, MONDO:0008840, OMIM 208900.

Submissions (4):

Labcorp Genetics (formerly Invitae), Labcorp
Classification: Pathogenic for Ataxia-telangiectasia syndrome. Last evaluated: 2025-04-07. Review status: criteria provided, single submitter. Criteria: Invitae Variant Classification Sherloc (09022015). Collection method: clinical testing. Allele origin: germline.
Comment: This sequence change creates a premature translational stop signal (p.Asp148Argfs*11) in the ATM gene. It is expected to result in an absent or disrupted protein product. Loss-of-function variants in ATM are known to be pathogenic (PMID: 23807571, 25614872). This variant is not present in population databases (gnomAD no frequency). This variant has not been reported in the literature in individuals affected with ATM-related conditions. ClinVar contains an entry for this variant (Variation ID: 481343). For these reasons, this variant has been classified as Pathogenic.

Myriad Genetics, Inc.
Classification: Pathogenic for Familial cancer of breast. Last evaluated: 2024-01-09. Review status: criteria provided, single submitter. Criteria: Myriad Autosomal Dominant, Autosomal Recessive and X-Linked Classification Criteria (2023). Collection method: clinical testing. Allele origin: unknown.
Comment: This variant is considered pathogenic. This variant creates a frameshift predicted to result in premature protein truncation.

Ambry Genetics
Classification: Pathogenic for Hereditary cancer-predisposing syndrome. Last evaluated: 2022-03-16. Review status: criteria provided, single submitter. Criteria: Ambry Variant Classification Scheme 2023. Collection method: clinical testing. Allele origin: germline.
Comment: The c.441dupA pathogenic mutation, located in coding exon 4 of the ATM gene, results from a duplication of A at nucleotide position 441, causing a translational frameshift with a predicted alternate stop codon (p.D148Rfs*11). This variant is considered to be rare based on population cohorts in the Genome Aggregation Database (gnomAD). This alteration is expected to result in loss of function by premature protein truncation or nonsense-mediated mRNA decay. As such, this alteration is interpreted as a disease-causing mutation.

Color Diagnostics, LLC DBA Color Health
Classification: Pathogenic for Hereditary cancer-predisposing syndrome. Last evaluated: 2020-01-15. Review status: criteria provided, single submitter. Criteria: ACMG Guidelines, 2015. Collection method: clinical testing. Allele origin: germline.
Comment: This variant inserts 1 nucleotide in exon 5 of the ATM gene, creating a frameshift and premature translation stop signal. This variant is expected to result in an absent or non-functional protein product. This variant has not been identified in the general population by the Genome Aggregation Database (gnomAD). Loss of ATM function is a known mechanism of disease. Based on the available evidence, this variant is classified as Pathogenic.

Literature cited by the submitters: PubMed 23807571 (cited by Labcorp Genetics (formerly Invitae), Labcorp); PubMed 25614872 (cited by Labcorp Genetics (formerly Invitae), Labcorp).

NM_000051.4(ATM):c.441dup (p.Asp148fs)

Gene: ATM (ATM serine/threonine kinase; plus strand). Cytogenetic location: 11q22.3.
Variant type: Duplication.
Coding change: c.441dup on transcript NM_000051.4 (MANE Select); coding-DNA position 441, one base duplicated (A; older notation c.441dupA).
Protein change: p.Asp148fs; shifts the reading frame from aspartic acid 148.
Molecular consequence: frameshift variant.
Genome position (GRCh38, 1-based): chr11:108,235,779, A duplicated; the last of 3 consecutive A bases (chr11:108,235,777-108,235,779); duplicating any one gives the same sequence. VCF-style (leftmost placement, unchanged base first): chr11-108235776-C-CA. GRCh37 (hg19) VCF-style: chr11-108106503-C-CA.
Other names: c.441dupA (NM_000051.3); c.441dup, p.Asp148fs (NM_001351834.2); short protein forms D148fs.
Identifiers: ClinVar variation 481343 (VCV000481343.17), dbSNP rs1427164968, ClinGen allele CA658656155.
Genomic context (GRCh38, chr11:108,235,776, plus strand): 5'-TACAGTGAAAGATTCATCTAATGGTGCTATTTACGGAGCTGATTGTAGCAACATACTACT[C>CA]AAAGACATTCTTTCTGTGAGAAAATACTGGTGTGAAATATCTCAGCAACAGTGGTTAGGT-3'